The following is an entry in ClinVar:

ClinVar aggregate classification (germline): Pathogenic. Review status: criteria provided, multiple submitters, no conflicts (2 of 4 stars). 2 submissions from 2 submitters: Pathogenic (2). Last evaluated 2025-12-15.

Conditions:
Inborn genetic diseases. Identifiers: MedGen C0950123, MeSH D030342.

Submissions (2):

Labcorp Genetics (formerly Invitae), Labcorp
Classification: Pathogenic. Last evaluated: 2025-12-15. Review status: criteria provided, single submitter. Criteria: Invitae Variant Classification Sherloc (09022015). Collection method: clinical testing. Allele origin: germline.
Comment: This sequence change creates a premature translational stop signal (p.Ala500Argfs*52) in the DDX41 gene. It is expected to result in an absent or disrupted protein product. Loss-of-function variants in DDX41 are known to be pathogenic (PMID: 26712909, 27133828). This variant is not present in population databases (gnomAD no frequency). This variant has not been reported in the literature in individuals affected with DDX41-related conditions. ClinVar contains an entry for this variant (Variation ID: 4010358). For these reasons, this variant has been classified as Pathogenic.

Ambry Genetics
Classification: Pathogenic for Inborn genetic diseases. Last evaluated: 2025-05-14. Review status: criteria provided, single submitter. Criteria: Ambry Variant Classification Scheme 2023. Collection method: clinical testing. Allele origin: germline.
Comment: The c.1480_1496dup17 variant, located in coding exon 14 of the DDX41 gene, results from a duplication of AAGGGCCTGGACTTCCC at nucleotide position 1480, causing a translational frameshift with a predicted alternate stop codon (p.A500Rfs*52). This variant is considered to be rare based on population cohorts in the Genome Aggregation Database (gnomAD). This alteration is expected to result in loss of function by premature protein truncation or nonsense-mediated mRNA decay. As such, this alteration is interpreted as a disease-causing mutation.

Literature cited by the submitters: PubMed 26712909 (cited by Labcorp Genetics (formerly Invitae), Labcorp); PubMed 27133828 (cited by Labcorp Genetics (formerly Invitae), Labcorp).

NM_016222.4(DDX41):c.1480_1496dup (p.Ala500fs)

Gene: DDX41 (DEAD-box helicase 41; minus strand). Cytogenetic location: 5q35.3.
Variant type: Duplication.
Coding change: c.1480_1496dup on transcript NM_016222.4 (MANE Select); coding-DNA positions 1480 to 1496, 17 bases duplicated (AAGGGCCTGGACTTCCC).
Protein change: p.Ala500fs; shifts the reading frame from alanine 500.
Molecular consequence: frameshift variant.
Genome position (GRCh38, 1-based): chr5:177,512,549-177,512,565, GGGAAGTCCAGGCCCTT duplicated on the plus strand (AAGGGCCTGGACTTCCC on the coding strand, the reverse complement: DDX41 is on the minus strand); duplicating any 17 consecutive bases within chr5:177,512,549-177,512,567 gives the same sequence; the c. name uses the placement nearest the transcript's 3' end. VCF-style (leftmost placement, unchanged base first): chr5-177512548-A-AGGGAAGTCCAGGCCCTT. GRCh37 (hg19) VCF-style: chr5-176939549-A-AGGGAAGTCCAGGCCCTT.
Other names: c.1102_1118dup, p.Ala374fs (NM_001321732.2, NM_001321830.2); short protein forms A374fs, A500fs.
Identifiers: ClinVar variation 4010358 (VCV004010358.2).